The following is an entry in ClinVar:

NM_000660.7(TGFB1):c.730C>T (p.Arg244Ter)

Gene: TGFB1 (transforming growth factor beta 1; minus strand). Cytogenetic location: 19q13.2.
Variant type: single nucleotide variant.
Coding change: c.730C>T on transcript NM_000660.7 (MANE Select); coding-DNA position 730, C replaced by T.
Protein change: p.Arg244Ter; replaces arginine 244 with a stop codon.
Molecular consequence: nonsense.
Genome position (GRCh38, 1-based): chr19:41,342,013, G>A on the plus strand (C>T on the coding strand, the complement: TGFB1 is on the minus strand). VCF-style: chr19-41342013-G-A. GRCh37 (hg19) VCF-style: chr19-41847918-G-A.
Other names: short protein forms R244*.
Identifiers: ClinVar variation 4715327 (VCV004715327.1).

ClinVar aggregate classification (germline): Uncertain significance (1 of 4 stars; one submission).

gnomAD v4.1: 1 of 1,614,168 alleles (0.000062%); highest among the groups gnomAD compares: Non-Finnish European, 0.000085%; no homozygotes.

Submission:

Labcorp Genetics (formerly Invitae), Labcorp
Classification: Uncertain significance. Last evaluated: 2025-03-18. Review status: criteria provided, single submitter. Criteria: Invitae Variant Classification Sherloc (09022015). Collection method: clinical testing. Allele origin: germline.
Comment: This sequence change creates a premature translational stop signal (p.Arg244*) in the TGFB1 gene. It is expected to result in an absent or disrupted protein product. However, the current clinical and genetic evidence is not sufficient to establish whether loss-of-function variants in TGFB1 cause disease. This variant is present in population databases (no rsID available, gnomAD 0.0009%). This variant has not been reported in the literature in individuals affected with TGFB1-related conditions. In summary, the available evidence is currently insufficient to determine the role of this variant in disease. Therefore, it has been classified as a Variant of Uncertain Significance.